The following is an entry in ClinVar:

ClinVar aggregate classification (germline): Uncertain significance. Review status: criteria provided, multiple submitters, no conflicts (2 of 4 stars). 2 submissions from 2 submitters: Uncertain significance (2). Last evaluated 2023-12-19.

Conditions:
Glanzmann thrombasthenia. Also called: THROMBASTHENIA OF GLANZMANN AND NAEGELI; Thrombasthenia; Glanzmann's thrombasthenia; PLATELET GLYCOPROTEIN IIb-IIIa DEFICIENCY. Identifiers: Orphanet 849, MedGen C0040015, MONDO:0100326.

Allele frequency attached by ClinVar (database versions not stated): TOPMed 0.00001; gnomAD 0.00002; gnomAD exomes 0.00003; ExAC 0.00005.

Submissions (2):

Labcorp Genetics (formerly Invitae), Labcorp
Classification: Uncertain significance for Glanzmann thrombasthenia. Last evaluated: 2023-12-19. Review status: criteria provided, single submitter. Criteria: Invitae Variant Classification Sherloc (09022015). Collection method: clinical testing. Allele origin: germline.
Comment: This sequence change falls in intron 12 of the ITGA2B gene. It does not directly change the encoded amino acid sequence of the ITGA2B protein. This variant is present in population databases (rs765299340, gnomAD 0.05%). This variant has not been reported in the literature in individuals affected with ITGA2B-related conditions. Algorithms developed to predict the effect of sequence changes on RNA splicing suggest that this variant may disrupt the consensus splice site. In summary, the available evidence is currently insufficient to determine the role of this variant in disease. Therefore, it has been classified as a Variant of Uncertain Significance.

Blueprint Genetics
Classification: Uncertain significance. Last evaluated: 2021-10-13. Review status: criteria provided, single submitter. Criteria: ACMG Guidelines, 2015. Collection method: clinical testing. Allele origin: germline.

NM_000419.5(ITGA2B):c.1211-9T>G

Gene: ITGA2B (integrin subunit alpha 2b; minus strand). Cytogenetic location: 17q21.31.
Variant type: single nucleotide variant.
Coding change: c.1211-9T>G on transcript NM_000419.5 (MANE Select); 9 bases into the intron before coding-DNA position 1211, T replaced by G.
Molecular consequence: intron variant.
Genome position (GRCh38, 1-based): chr17:44,381,070, A>C on the plus strand (T>G on the coding strand, the complement: ITGA2B is on the minus strand). VCF-style: chr17-44381070-A-C. GRCh37 (hg19) VCF-style: chr17-42458438-A-C.
Identifiers: ClinVar variation 2918654 (VCV002918654.4), dbSNP rs765299340, ClinGen allele CA8603191.